The following is an entry in ClinVar:

ClinVar aggregate classification (germline): Pathogenic (1 of 4 stars; one submission).

Conditions:
6-Pyruvoyl-tetrahydrobiopterin synthase deficiency. Also called: 6-Pyruvoyltetrahydropterin Synthase Deficiency; HYPERPHENYLALANINEMIA, TETRAHYDROBIOPTERIN-DEFICIENT, DUE TO PTS DEFICIENCY; PTS-Related Tetrahydrobiopterin Deficiency; PTS DEFICIENCY; Hyperphenylalanemia, BH4-deficient, A; Hyperphenylalaninemia due to 6-pyruvoyl-tetrahydropterin synthase deficiency. Identifiers: Orphanet 13, Orphanet 238583, MedGen C0878676, MONDO:0009863, OMIM 261640.

Submission:

Labcorp Genetics (formerly Invitae), Labcorp
Classification: Pathogenic for 6-Pyruvoyl-tetrahydrobiopterin synthase deficiency. Last evaluated: 2022-07-10. Review status: criteria provided, single submitter. Criteria: Invitae Variant Classification Sherloc (09022015). Collection method: clinical testing. Allele origin: germline.
Comment: This variant is a gross deletion of the genomic region encompassing exon(s) 5-6 of the PTS gene, which includes the termination codon. This deletion extends beyond the assayed region for this gene and therefore may encompass additional genes. While this deletion is not anticipated to lead to nonsense mediated decay, it is expected to alter mRNA translation or result in a truncated protein product. A similar copy number variant has been observed in individual(s) with clinical features of biopterin-deficient hyperphenylalaninemia (PMID: 29499199). This variant disrupts a region of the PTS protein in which other variant(s) (p.Asp136Val) have been determined to be pathogenic (PMID: 9222757, 11388593, 25418970). This suggests that this is a clinically significant region of the protein, and that variants that disrupt it are likely to be disease-causing. For these reasons, this variant has been classified as Pathogenic.

Literature cited by the submitters: PubMed 29499199; PubMed 9222757; PubMed 11388593; PubMed 25418970.

NC_000011.9:g.(?_112103876)_(112104288_?)del

Gene: PTS (6-pyruvoyltetrahydropterin synthase; plus strand). Cytogenetic location: 11q23.1.
Variant type: Deletion.
Identifiers: ClinVar variation 2422868 (VCV002422868.4).